The following is an entry in ClinVar:

NM_001868.4(CPA1):c.44T>G (p.Phe15Cys)

Gene: CPA1 (carboxypeptidase A1; plus strand). Cytogenetic location: 7q32.2.
Variant type: single nucleotide variant.
Coding change: c.44T>G on transcript NM_001868.4 (MANE Select); coding-DNA position 44, T replaced by G.
Protein change: p.Phe15Cys; replaces phenylalanine 15 with cysteine.
Molecular consequence: missense variant.
Genome position (GRCh38, 1-based): chr7:130,380,564, T>G. VCF-style: chr7-130380564-T-G. GRCh37 (hg19) VCF-style: chr7-130020405-T-G.
Other names: short protein forms F15C.
Identifiers: ClinVar variation 4825904 (VCV004825904.1).

ClinVar aggregate classification (germline): Uncertain significance (1 of 4 stars; one submission).

Conditions:
Hereditary pancreatitis (PCTT). Also called: Hereditary chronic pancreatitis; PRSS1-Related Hereditary Pancreatitis. Identifiers: Orphanet 676, MedGen C0238339, MONDO:0008185, OMIM 167800.

Submission:

Ambry Genetics
Classification: Uncertain significance for Hereditary pancreatitis. Last evaluated: 2026-02-27. Review status: criteria provided, single submitter. Criteria: Ambry Variant Classification Scheme 2023. Collection method: clinical testing. Allele origin: germline.
Comment: The p.F15C variant (also known as c.44T>G), located in coding exon 1 of the CPA1 gene, results from a T to G substitution at nucleotide position 44. The phenylalanine at codon 15 is replaced by cysteine, an amino acid with highly dissimilar properties. This amino acid position is conserved. In addition, this alteration is predicted to be tolerated by in silico analysis. Based on the available evidence, the clinical significance of this variant remains unclear.